The following is an entry in ClinVar:

NM_033026.6(PCLO):c.653C>T (p.Pro218Leu)

Gene: PCLO (piccolo presynaptic cytomatrix protein; minus strand). Cytogenetic location: 7q21.11.
Variant type: single nucleotide variant.
Coding change: c.653C>T on transcript NM_033026.6 (MANE Select); coding-DNA position 653, C replaced by T.
Protein change: p.Pro218Leu; replaces proline 218 with leucine.
Molecular consequence: missense variant.
Genome position (GRCh38, 1-based): chr7:83,155,988, G>A on the plus strand (C>T on the coding strand, the complement: PCLO is on the minus strand). VCF-style: chr7-83155988-G-A. GRCh37 (hg19) VCF-style: chr7-82785304-G-A.
Other names: c.653C>T, p.Pro218Leu (NM_014510.3); short protein forms P218L.
Identifiers: ClinVar variation 506450 (VCV000506450.10), dbSNP rs61738783, ClinGen allele CA4321625.

ClinVar aggregate classification (germline): Benign. Review status: criteria provided, multiple submitters, no conflicts (2 of 4 stars). 3 submissions from 3 submitters: Benign (3). Last evaluated 2026-02-03.

Allele frequency attached by ClinVar (database versions not stated): 1000 Genomes Project 30x 0.00500; 1000 Genomes Project 0.00539; TOPMed 0.00958; ESP Exome Variant Server 0.01260; gnomAD 0.01307 and 0.01352; ExAC 0.01370; gnomAD exomes 0.01372 and 0.01540.
gnomAD v4.1: 24,372 of 1,613,566 alleles (1.5%); highest among the groups gnomAD compares: Non-Finnish European, 1.6%; 245 homozygotes.

Submissions (3):

Labcorp Genetics (formerly Invitae), Labcorp
Classification: Benign. Last evaluated: 2026-02-03. Review status: criteria provided, single submitter. Criteria: Invitae Variant Classification Sherloc (09022015). Collection method: clinical testing. Allele origin: germline.

GeneDx
Classification: Benign. Last evaluated: 2018-02-07. Review status: criteria provided, single submitter. Criteria: GeneDx Variant Classification (06012015). Collection method: clinical testing. Allele origin: germline. Affected: yes.
Comment: This variant is considered likely benign or benign based on one or more of the following criteria: it is a conservative change, it occurs at a poorly conserved position in the protein, it is predicted to be benign by multiple in silico algorithms, and/or has population frequency not consistent with disease.

Breakthrough Genomics
Classification: Benign. Review status: criteria provided, single submitter. Criteria: ACMG Guidelines, 2015. Collection method: not provided. Allele origin: germline. Inheritance: Autosomal recessive inheritance. Affected: yes.